The following is an entry in ClinVar:

NM_006121.4(KRT1):c.481C>T (p.Leu161Phe)

Gene: KRT1 (keratin 1; minus strand). Cytogenetic location: 12q13.13.
Variant type: single nucleotide variant.
Coding change: c.481C>T on transcript NM_006121.4 (MANE Select); coding-DNA position 481, C replaced by T.
Protein change: p.Leu161Phe; replaces leucine 161 with phenylalanine.
Molecular consequence: missense variant.
Genome position (GRCh38, 1-based): chr12:52,679,868, G>A on the plus strand (C>T on the coding strand, the complement: KRT1 is on the minus strand). VCF-style: chr12-52679868-G-A. GRCh37 (hg19) VCF-style: chr12-53073652-G-A.
Other names: short protein forms L161F.
Identifiers: ClinVar variation 3027356 (VCV003027356.22), dbSNP rs1381952736, ClinGen allele CA384975437.

ClinVar aggregate classification (germline): Uncertain significance (1 of 4 stars; one submission).

gnomAD v4.1: 1 of 1,613,982 alleles (0.000062%); no homozygotes.

Submission:

CeGaT Center for Human Genetics Tuebingen
Classification: Uncertain significance. Last evaluated: 2024-02-01. Review status: criteria provided, single submitter. Criteria: CeGaT Center For Human Genetics Tuebingen Variant Classification Criteria Version 2. Collection method: clinical testing. Allele origin: germline. Affected: yes. Observed: 1 variant allele.
Comment: KRT1: PM2, PM5, PP4